The following is an entry in ClinVar:

ClinVar aggregate classification (germline): Likely benign (1 of 4 stars; one submission).

Conditions:
Xeroderma pigmentosum, group D (XPD). Also called: XERODERMA PIGMENTOSUM, COMPLEMENTATION GROUP D; XERODERMA PIGMENTOSUM IV; XP, GROUP D; XP, GROUP H; ERCC2-Related Xeroderma Pigmentosum. Identifiers: MedGen C0268138, MONDO:0010212, OMIM 278730.

Allele frequency attached by ClinVar (database versions not stated): 1000 Genomes Project 30x 0.00109; 1000 Genomes Project 0.00120; TOPMed 0.00178; gnomAD 0.00181 and 0.00198.
gnomAD v4.1: 802 of 1,597,522 alleles (0.05%); highest among the groups gnomAD compares: African/African-American, 0.55%; 2 homozygotes.

Submission:

Illumina Laboratory Services, Illumina
Classification: Likely benign for Xeroderma pigmentosum, group D. Last evaluated: 2018-01-13. Review status: criteria provided, single submitter. Criteria: ICSL Variant Classification Criteria 13 December 2019. Collection method: clinical testing. Allele origin: germline.
Comment: This variant was observed in the ICSL laboratory as part of a predisposition screen in an ostensibly healthy population. It had not been previously curated by ICSL or reported in the Human Gene Mutation Database (HGMD: prior to June 1st, 2018), and was therefore a candidate for classification through an automated scoring system. Utilizing variant allele frequency, disease prevalence and penetrance estimates, and inheritance mode, an automated score was calculated to assess if this variant is too frequent to cause the disease. Based on the score and internal cut-off values, a variant classified as likely benign is not then subjected to further curation. The score for this variant resulted in a classification of likely benign for this disease.

NM_000400.4(ERCC2):c.*216G>A

Genes: ERCC2 (ERCC excision repair 2, TFIIH core complex helicase subunit; minus strand), KLC3 (kinesin light chain 3; plus strand). Cytogenetic location: 19q13.32.
Variant type: single nucleotide variant.
Coding change: c.*216G>A on transcript NM_000400.4 (MANE Select); 216 bases downstream of the stop codon, G replaced by A.
Molecular consequence: 3 prime UTR variant.
Genome position (GRCh38, 1-based): chr19:45,351,413, C>T on the plus strand (G>A on the coding strand, the complement: ERCC2 is on the minus strand). VCF-style: chr19-45351413-C-T. GRCh37 (hg19) VCF-style: chr19-45854671-C-T.
Other names: c.*56C>T (NM_177417.3).
Identifiers: ClinVar variation 892628 (VCV000892628.4), dbSNP rs534559459, ClinGen allele CA308947128.